The following is an entry in ClinVar:

ClinVar aggregate classification (germline): Uncertain significance (1 of 4 stars; one submission).

Conditions:
Legius syndrome. Identifiers: Orphanet 137605, MedGen C1969623, MONDO:0012669, OMIM 611431. Disease mechanism: loss of function.

Submission:

Labcorp Genetics (formerly Invitae), Labcorp
Classification: Uncertain significance for Legius syndrome. Last evaluated: 2023-05-26. Review status: criteria provided, single submitter. Criteria: Invitae Variant Classification Sherloc (09022015). Collection method: clinical testing. Allele origin: germline.
Comment: In summary, the available evidence is currently insufficient to determine the role of this variant in disease. Therefore, it has been classified as a Variant of Uncertain Significance. Experimental studies and prediction algorithms are not available or were not evaluated, and the functional significance of this variant is currently unknown. ClinVar contains an entry for this variant (Variation ID: 1041948). This variant has not been reported in the literature in individuals affected with SPRED1-related conditions. This variant is not present in population databases (gnomAD no frequency). This variant, c.462_464dup, results in the insertion of 1 amino acid(s) of the SPRED1 protein (p.His155dup), but otherwise preserves the integrity of the reading frame.

NM_152594.3(SPRED1):c.462_464dup (p.His155dup)

Gene: SPRED1 (sprouty related EVH1 domain containing 1; plus strand). Cytogenetic location: 15q14.
Variant type: Duplication.
Coding change: c.462_464dup on transcript NM_152594.3 (MANE Select); coding-DNA positions 462 to 464, 3 bases duplicated (TCA; older notation c.462_464dupTCA).
Protein change: p.His155dup; duplicates histidine 155.
Molecular consequence: inframe insertion.
Genome position (GRCh38, 1-based): chr15:38,339,775-38,339,777, TCA duplicated; duplicating any 3 consecutive bases within chr15:38,339,774-38,339,777 gives the same sequence; the c. name uses the placement nearest the transcript's 3' end. VCF-style (leftmost placement, unchanged base first): chr15-38339773-G-GATC. GRCh37 (hg19) VCF-style: chr15-38631974-G-GATC.
Identifiers: ClinVar variation 1041948 (VCV001041948.9), dbSNP rs1895993278, ClinGen allele CA2170803238.
Genomic context (GRCh38, chr15:38,339,773, plus strand): 5'-TGCATTGAGGGTTGTTCCCAATAGGCAAATGAAGAGGATTCTTCCAGTTCTCTAGTGAAG[G>GATC]ATCACCTTTTTCAGCAAGAGACAGTTGTTACCAGTGAGCCTTATAGAAGCTCAAATATAA-3'